The following is an entry in ClinVar:

ClinVar aggregate classification (germline): Uncertain significance. Review status: criteria provided, multiple submitters, no conflicts (2 of 4 stars). 2 submissions from 2 submitters: Uncertain significance (2). Last evaluated 2024-02-26.

Allele frequency attached by ClinVar (database versions not stated): 1000 Genomes Project 30x 0.00016; gnomAD exomes 0.00002; TOPMed 0.00003; ExAC 0.00013; gnomAD 0.00003; 1000 Genomes Project 0.00020.
gnomAD v4.1: 30 of 1,548,276 alleles (0.0019%); highest among the groups gnomAD compares: South Asian, 0.017%; no homozygotes.

Submissions (2):

Ambry Genetics
Classification: Uncertain significance. Last evaluated: 2024-02-26. Review status: criteria provided, single submitter. Criteria: Ambry Variant Classification Scheme 2023. Collection method: clinical testing. Allele origin: germline.

Labcorp Genetics (formerly Invitae), Labcorp
Classification: Uncertain significance. Last evaluated: 2022-07-31. Review status: criteria provided, single submitter. Criteria: Invitae Variant Classification Sherloc (09022015). Collection method: clinical testing. Allele origin: germline.
Comment: In summary, the available evidence is currently insufficient to determine the role of this variant in disease. Therefore, it has been classified as a Variant of Uncertain Significance. Algorithms developed to predict the effect of missense changes on protein structure and function are either unavailable or do not agree on the potential impact of this missense change (SIFT: "Tolerated"; PolyPhen-2: "Probably Damaging"; Align-GVGD: "Class C0"). This variant has not been reported in the literature in individuals affected with FUK-related conditions. This variant is present in population databases (rs569142534, gnomAD 0.02%). This sequence change replaces arginine, which is basic and polar, with histidine, which is basic and polar, at codon 527 of the FUK protein (p.Arg527His).

NM_145059.3(FCSK):c.1580G>A (p.Arg527His)

Gene: FCSK (fucose kinase; plus strand). Cytogenetic location: 16q22.1.
Variant type: single nucleotide variant.
Coding change: c.1580G>A on transcript NM_145059.3 (MANE Select); coding-DNA position 1580, G replaced by A.
Protein change: p.Arg527His; replaces arginine 527 with histidine.
Molecular consequence: missense variant.
Genome position (GRCh38, 1-based): chr16:70,473,156, G>A. VCF-style: chr16-70473156-G-A. GRCh37 (hg19) VCF-style: chr16-70507059-G-A.
Other names: c.1580G>A (NM_145059.2); short protein forms R527H.
Identifiers: ClinVar variation 2058096 (VCV002058096.5), dbSNP rs569142534, ClinGen allele CA8143384.